The following is an entry in ClinVar:

NM_203447.4(DOCK8):c.2605+30T>C

Gene: DOCK8 (dedicator of cytokinesis 8; plus strand). Cytogenetic location: 9p24.3.
Variant type: single nucleotide variant.
Coding change: c.2605+30T>C on transcript NM_203447.4 (MANE Select); 30 bases into the intron after coding-DNA position 2605, T replaced by C.
Molecular consequence: intron variant.
Genome position (GRCh38, 1-based): chr9:379,965, T>C. VCF-style: chr9-379965-T-C. GRCh37 (hg19) VCF-style: chr9-379965-T-C.
Other names: c.2401+30T>C (NM_001193536.2, NM_001190458.2).
Identifiers: ClinVar variation 1185504 (VCV001185504.7), dbSNP rs10758420, ClinGen allele CA4958246.
Genomic context (GRCh38, chr9:379,965, plus strand): 5'-CCAGAGGTGCAAAGGGATGTGCCCAAGTCAGGTAGAGTTGCCCTGAGTGTGGGACTCTGG[T>C]GGGCGGGGCAACACCACCTCCACCCCACTGCAGTGTAATCCAAAATAAAACATCCTATGC-3'

ClinVar aggregate classification (germline): Benign. Review status: criteria provided, multiple submitters, no conflicts (2 of 4 stars). 4 submissions from 4 submitters: Benign (4). Last evaluated 2023-11-12.

Conditions:
Combined immunodeficiency due to DOCK8 deficiency (HIES2). Also called: Hyper-IgE recurrent infection syndrome, autosomal recessive; HYPER-IgE SYNDROME 2, AUTOSOMAL RECESSIVE, WITH RECURRENT INFECTIONS; HIES autosomal recessive; HYPER-IgE RECURRENT INFECTION SYNDROME 2, AUTOSOMAL RECESSIVE; DOCK8 Deficiency. Identifiers: Orphanet 217390, MedGen C4722305, MONDO:0009478, OMIM 243700.

Allele frequency attached by ClinVar (database versions not stated): ESP Exome Variant Server 0.93226; gnomAD 0.93542 and 0.93876; TOPMed 0.93620; 1000 Genomes Project 30x 0.94207; 1000 Genomes Project 0.94469; gnomAD exomes 0.95488 and 0.96387; ExAC 0.96167.
gnomAD v4.1: 1,153,286 of 1,210,336 alleles (95%); highest among the groups gnomAD compares: East Asian, 100%; 549,914 homozygotes.

Submissions (4):

Unidad de Genómica Garrahan, Hospital de Pediatría Garrahan
Classification: Benign. Last evaluated: 2023-11-12. Review status: criteria provided, single submitter. Criteria: ACMG Guidelines, 2015. Collection method: clinical testing. Allele origin: germline. Affected: no. Observed: 96 variant alleles.
Comment: This variant is classified as Benign based on local population frequency. This variant was detected in 100% of patients studied by a panel of primary immunodeficiencies. Number of patients: 96. Only high quality variants are reported.

Genome-Nilou Lab
Classification: Benign for Combined immunodeficiency due to DOCK8 deficiency. Last evaluated: 2021-07-14. Review status: criteria provided, single submitter. Criteria: ACMG Guidelines, 2015. Collection method: clinical testing. Allele origin: germline. Affected: no.

GeneDx
Classification: Benign. Last evaluated: 2018-06-26. Review status: criteria provided, single submitter. Criteria: GeneDx Variant Classification Process June 2021. Collection method: clinical testing. Allele origin: germline. Affected: yes.

Breakthrough Genomics
Classification: Benign. Review status: criteria provided, single submitter. Criteria: ACMG Guidelines, 2015. Collection method: not provided. Allele origin: germline. Inheritance: Autosomal recessive inheritance. Affected: yes.